The following is an entry in ClinVar:

NM_006059.4(LAMC3):c.1103A>C (p.Gln368Pro)

Gene: LAMC3 (laminin subunit gamma 3; plus strand). Cytogenetic location: 9q34.12.
Variant type: single nucleotide variant.
Coding change: c.1103A>C on transcript NM_006059.4 (MANE Select); coding-DNA position 1103, A replaced by C.
Protein change: p.Gln368Pro; replaces glutamine 368 with proline.
Molecular consequence: missense variant.
Genome position (GRCh38, 1-based): chr9:131,038,990, A>C. VCF-style: chr9-131038990-A-C. GRCh37 (hg19) VCF-style: chr9-133914377-A-C.
Other names: short protein forms Q368P.
Identifiers: ClinVar variation 2072724 (VCV002072724.4), dbSNP rs200609384, ClinGen allele CA375259116.

ClinVar aggregate classification (germline): Uncertain significance (1 of 4 stars; one submission).

Submission:

Labcorp Genetics (formerly Invitae), Labcorp
Classification: Uncertain significance. Last evaluated: 2022-01-03. Review status: criteria provided, single submitter. Criteria: Invitae Variant Classification Sherloc (09022015). Collection method: clinical testing. Allele origin: germline.
Comment: In summary, the available evidence is currently insufficient to determine the role of this variant in disease. Therefore, it has been classified as a Variant of Uncertain Significance. Algorithms developed to predict the effect of missense changes on protein structure and function are either unavailable or do not agree on the potential impact of this missense change (SIFT: "Tolerated"; PolyPhen-2: "Possibly Damaging"; Align-GVGD: "Class C0"). This variant has not been reported in the literature in individuals affected with LAMC3-related conditions. This variant is not present in population databases (gnomAD no frequency). This sequence change replaces glutamine, which is neutral and polar, with proline, which is neutral and non-polar, at codon 368 of the LAMC3 protein (p.Gln368Pro).